The following is an entry in ClinVar:

NM_006133.3(DAGLA):c.410-4G>A

Gene: DAGLA (diacylglycerol lipase alpha; plus strand). Cytogenetic location: 11q12.2.
Variant type: single nucleotide variant.
Coding change: c.410-4G>A on transcript NM_006133.3 (MANE Select); 4 bases into the intron before coding-DNA position 410, G replaced by A.
Molecular consequence: intron variant.
Genome position (GRCh38, 1-based): chr11:61,723,430, G>A. VCF-style: chr11-61723430-G-A. GRCh37 (hg19) VCF-style: chr11-61490902-G-A.
Identifiers: ClinVar variation 3052633 (VCV003052633.12), dbSNP rs199919138, ClinGen allele CA6036561.

ClinVar aggregate classification (germline): Likely benign. Review status: criteria provided, single submitter (1 of 4 stars). 2 submissions from 2 submitters: Likely benign (1). 1 of the submissions does not count toward it. Last evaluated 2025-05-01.

Conditions:
DAGLA-related disorder. Also called: DAGLA-related condition.

Allele frequency attached by ClinVar (database versions not stated): ExAC 0.00024; ESP Exome Variant Server 0.00031.
gnomAD v4.1: 401 of 1,610,490 alleles (0.025%); highest among the groups gnomAD compares: Non-Finnish European, 0.032%; 1 homozygote.

Submissions (2):

CeGaT Center for Human Genetics Tuebingen
Classification: Likely benign. Last evaluated: 2025-05-01. Review status: criteria provided, single submitter. Criteria: CeGaT Center For Human Genetics Tuebingen Variant Classification Criteria Version 2. Collection method: clinical testing. Allele origin: germline. Affected: yes. Observed: 1 variant allele.
Comment: DAGLA: BP4

PreventionGenetics, part of Exact Sciences
Classification: Likely benign for DAGLA-related condition. Last evaluated: 2019-08-19. Review status: no assertion criteria provided. Collection method: clinical testing. Allele origin: germline. Not counted in ClinVar's aggregate classification.
Comment: This variant is classified as likely benign based on ACMG/AMP sequence variant interpretation guidelines (Richards et al. 2015 PMID: 25741868, with internal and published modifications).